The following is an entry in ClinVar:

NM_001393797.1(ABCC12):c.3761G>A (p.Gly1254Glu)

Gene: ABCC12 (ATP binding cassette subfamily C member 12; minus strand). Cytogenetic location: 16q12.1.
Variant type: single nucleotide variant.
Coding change: c.3761G>A on transcript NM_001393797.1 (MANE Select); coding-DNA position 3761, G replaced by A.
Protein change: p.Gly1254Glu; replaces glycine 1254 with glutamic acid.
Molecular consequence: missense variant. On other transcripts: non-coding transcript variant (8).
Genome position (GRCh38, 1-based): chr16:48,085,660, C>T on the plus strand (G>A on the coding strand, the complement: ABCC12 is on the minus strand). VCF-style: chr16-48085660-C-T. GRCh37 (hg19) VCF-style: chr16-48119571-C-T.
Other names: c.290G>A, p.Gly97Glu (NM_001393798.1); c.383G>A, p.Gly128Glu (NM_001393799.1); c.3761G>A, p.Gly1254Glu (NM_033226.3); short protein forms G128E, G1254E, G97E.
Identifiers: ClinVar variation 2520018 (VCV002520018.3), dbSNP rs200882672, ClinGen allele CA8041613.

ClinVar aggregate classification (germline): Uncertain significance. Review status: criteria provided, multiple submitters, no conflicts (2 of 4 stars). 2 submissions from 2 submitters: Uncertain significance (2). Last evaluated 2026-06-22.

Conditions:
ABCC12-related condition.

Allele frequency attached by ClinVar (database versions not stated): gnomAD 0.00001; ExAC 0.00002; TOPMed 0.00002; gnomAD exomes 0.00005.
gnomAD v4.1: 69 of 1,614,044 alleles (0.0043%); highest among the groups gnomAD compares: Non-Finnish European, 0.0053%; no homozygotes.

Submissions (2):

PreventionGenetics, part of Exact Sciences
Classification: Uncertain significance for ABCC12-related condition. Last evaluated: 2026-06-22. Review status: criteria provided, single submitter. Criteria: ACMG Guidelines, 2015. Collection method: clinical testing. Allele origin: germline.
Comment: The ABCC12 c.3761G>A variant is predicted to result in the amino acid substitution p.Gly1254Glu. To our knowledge, this variant has not been reported in the literature. This variant is reported in 0.0087% of alleles in individuals of Latino descent in gnomAD. At this time, the clinical significance of this variant is uncertain due to the absence of conclusive functional and genetic evidence.

Ambry Genetics
Classification: Uncertain significance. Last evaluated: 2023-06-02. Review status: criteria provided, single submitter. Criteria: Ambry Variant Classification Scheme 2023. Collection method: clinical testing. Allele origin: germline.